The following is an entry in ClinVar:

NM_198512.3(DGAT2L6):c.769C>A (p.Leu257Met)

Gene: DGAT2L6 (diacylglycerol O-acyltransferase 2 like 6; plus strand). Cytogenetic location: Xq13.1.
Variant type: single nucleotide variant.
Coding change: c.769C>A on transcript NM_198512.3 (MANE Select); coding-DNA position 769, C replaced by A.
Protein change: p.Leu257Met; replaces leucine 257 with methionine.
Molecular consequence: missense variant.
Genome position (GRCh38, 1-based): chrX:70,204,426, C>A. VCF-style: chrX-70204426-C-A. GRCh37 (hg19) VCF-style: chrX-69424276-C-A.
Other names: short protein forms L257M.
Identifiers: ClinVar variation 161853 (VCV000161853.2), dbSNP rs193921067, ClinGen allele CA174910.
Genomic context (GRCh38, chrX:70,204,426, plus strand): 5'-CCTGAGGGCACGTGGTTAAGGTTGTTCCAAAAAACCTTCCAGGACACATTCAAAAAAATC[C>A]TGGGACTAAATTTCTGTACCTTCCATGGCCGGGGCTTCACTCGCGGATCCTGGGGCTTCC-3'
Protein context (NP_940914.1, residues 247-267): KTFQDTFKKI[Leu257Met]GLNFCTFHGR

ClinVar aggregate classification (germline): Uncertain significance (0 of 4 stars; one submission).

Conditions:
Prostate cancer. Also called: Malignant tumor of prostate. Identifiers: Orphanet 1331, MedGen C0376358, MONDO:0008315, HP:0012125.

Submission:

Science for Life laboratory,  Karolinska Institutet
Classification: Uncertain significance for Malignant tumor of prostate. Review status: no assertion criteria provided. Collection method: not provided. Allele origin: somatic.
Comment: TumorID:SWE-90A
ClinVar note: Converted during submission from Unknown to Uncertain significance.